The following is an entry in ClinVar:

ClinVar aggregate classification (germline): Uncertain significance (1 of 4 stars; one submission).

Submission:

GeneDx
Classification: Uncertain significance. Last evaluated: 2024-06-28. Review status: criteria provided, single submitter. Criteria: GeneDx Variant Classification Process June 2021. Collection method: clinical testing. Allele origin: germline. Affected: yes.
Comment: Not observed at significant frequency in large population cohorts (gnomAD); Nonsense variant predicted to result in protein truncation or nonsense mediated decay in a gene or region of a gene for which loss of function is not a well-established mechanism of disease; Has not been previously published as pathogenic or benign to our knowledge

NM_144973.4(DENND5B):c.1676C>G (p.Ser559Ter)

Gene: DENND5B (DENN domain containing 5B; minus strand). Cytogenetic location: 12p11.21.
Variant type: single nucleotide variant.
Coding change: c.1676C>G on transcript NM_144973.4 (MANE Select); coding-DNA position 1676, C replaced by G.
Protein change: p.Ser559Ter; replaces serine 559 with a stop codon.
Molecular consequence: nonsense.
Genome position (GRCh38, 1-based): chr12:31,447,723, G>C on the plus strand (C>G on the coding strand, the complement: DENND5B is on the minus strand). VCF-style: chr12-31447723-G-C. GRCh37 (hg19) VCF-style: chr12-31600657-G-C.
Other names: c.1781C>G, p.Ser594Ter (NM_001308339.2); c.1742C>G, p.Ser581Ter (NM_001366890.1); short protein forms S559*, S581*, S594*.
Identifiers: ClinVar variation 3392969 (VCV003392969.1).